The following is an entry in ClinVar:

ClinVar aggregate classification (germline): Pathogenic (1 of 4 stars; one submission).

Submission:

Labcorp Genetics (formerly Invitae), Labcorp
Classification: Pathogenic. Last evaluated: 2021-10-12. Review status: criteria provided, single submitter. Criteria: Invitae Variant Classification Sherloc (09022015). Collection method: clinical testing. Allele origin: germline.
Comment: This sequence change creates a premature translational stop signal (p.Asp1059Serfs*4) in the RTTN gene. It is expected to result in an absent or disrupted protein product. Loss-of-function variants in RTTN are known to be pathogenic (PMID: 26608784, 26846091). This variant is not present in population databases (ExAC no frequency). This variant has not been reported in the literature in individuals affected with RTTN-related conditions. For these reasons, this variant has been classified as Pathogenic.

Literature cited by the submitters: PubMed 26608784; PubMed 26846091.

NM_173630.4(RTTN):c.3175_3178del (p.Asp1059fs)

Gene: RTTN (rotatin; minus strand). Cytogenetic location: 18q22.2.
Variant type: Deletion.
Coding change: c.3175_3178del on transcript NM_173630.4 (MANE Select); coding-DNA positions 3175 to 3178, 4 bases deleted (GACA; older notation c.3175_3178delGACA).
Protein change: p.Asp1059fs; shifts the reading frame from aspartic acid 1059.
Molecular consequence: frameshift variant.
Genome position (GRCh38, 1-based): chr18:70,127,707-70,127,710, TGTC deleted on the plus strand (GACA on the coding strand, the reverse complement: RTTN is on the minus strand). VCF-style (leftmost placement, unchanged base first): chr18-70127706-ATGTC-A. GRCh37 (hg19) VCF-style: chr18-67794942-ATGTC-A.
Other names: c.439_442del, p.Asp147fs (NM_001318520.2); short protein forms D1059fs, D147fs.
Identifiers: ClinVar variation 1424070 (VCV001424070.6), dbSNP rs2145613736, ClinGen allele CA2573155476.
Genomic context (GRCh38, chr18:70,127,706, plus strand): 5'-ACAATGGAATGGAGGCAGTCCTGCAGCCCACTAGCCATGTGTGTTATCTTCAGAGTGAGG[ATGTC>A]CTCTGTAGATAACTTCAATGCATCTAAAATTCTAGACAAAAAGAAAAAAAATGAAGGAGG-3'